The following is an entry in ClinVar:

ClinVar aggregate classification (germline): Uncertain significance (1 of 4 stars; one submission).

Submission:

GeneDx
Classification: Uncertain significance. Last evaluated: 2024-06-12. Review status: criteria provided, single submitter. Criteria: GeneDx Variant Classification Process June 2021. Collection method: clinical testing. Allele origin: germline. Affected: yes.
Comment: Has not been previously published as pathogenic or benign to our knowledge; In-frame deletion of 1 amino acid in a non-repeat region; In silico analysis supports a deleterious effect on protein structure/function; Not observed at significant frequency in large population cohorts (gnomAD)

NM_014712.3(SETD1A):c.3726_3728del (p.Glu1244del)

Gene: SETD1A (SET domain containing 1A, histone lysine methyltransferase; plus strand). Cytogenetic location: 16p11.2.
Variant type: Deletion.
Coding change: c.3726_3728del on transcript NM_014712.3 (MANE Select); coding-DNA positions 3726 to 3728, 3 bases deleted (AGA; older notation c.3726_3728delAGA).
Protein change: p.Glu1244del; deletes glutamic acid 1244.
Genome position (GRCh38, 1-based): chr16:30,979,512-30,979,514, AGA deleted; deleting any 3 consecutive bases within chr16:30,979,510-30,979,514 gives the same sequence; the c. name uses the placement nearest the transcript's 3' end. VCF-style (leftmost placement, unchanged base first): chr16-30979509-GGAA-G. GRCh37 (hg19) VCF-style: chr16-30990830-GGAA-G.
Other names: short protein forms E1244del.
Identifiers: ClinVar variation 3390590 (VCV003390590.1).